The following is an entry in ClinVar:

NM_001273.5(CHD4):c.4958C>T (p.Thr1653Ile)

Genes: CHD4 (chromodomain helicase DNA binding protein 4; minus strand), CHD4-AS1 (CHD4 antisense RNA 1; plus strand). Cytogenetic location: 12p13.31.
Variant type: single nucleotide variant.
Coding change: c.4958C>T on transcript NM_001273.5 (MANE Select); coding-DNA position 4958, C replaced by T.
Protein change: p.Thr1653Ile; replaces threonine 1653 with isoleucine.
Molecular consequence: missense variant.
Genome position (GRCh38, 1-based): chr12:6,578,869, G>A on the plus strand (C>T on the coding strand, the complement: CHD4 is on the minus strand). VCF-style: chr12-6578869-G-A. GRCh37 (hg19) VCF-style: chr12-6688035-G-A.
Other names: c.4937C>T, p.Thr1646Ile (NM_001297553.2); c.4925C>T, p.Thr1642Ile (NM_001363606.2); short protein forms T1642I, T1653I, T1646I.
Identifiers: ClinVar variation 4763622 (VCV004763622.1).

ClinVar aggregate classification (germline): Uncertain significance (1 of 4 stars; one submission).

gnomAD v4.1: 2 of 1,614,192 alleles (0.00012%); highest among the groups gnomAD compares: South Asian, 0.0011%; no homozygotes.

Submission:

Labcorp Genetics (formerly Invitae), Labcorp
Classification: Uncertain significance. Last evaluated: 2025-10-07. Review status: criteria provided, single submitter. Criteria: Invitae Variant Classification Sherloc (09022015). Collection method: clinical testing. Allele origin: germline.
Comment: This sequence change replaces threonine, which is neutral and polar, with isoleucine, which is neutral and non-polar, at codon 1653 of the CHD4 protein (p.Thr1653Ile). The frequency data for this variant in the population databases is considered unreliable, as metrics indicate poor data quality at this position in the gnomAD database. This variant has not been reported in the literature in individuals affected with CHD4-related conditions. Invitae Evidence Modeling of protein sequence and biophysical properties (such as structural, functional, and spatial information, amino acid conservation, physicochemical variation, residue mobility, and thermodynamic stability) indicates that this missense variant is not expected to disrupt CHD4 protein function with a negative predictive value of 80%. In summary, the available evidence is currently insufficient to determine the role of this variant in disease. Therefore, it has been classified as a Variant of Uncertain Significance.